The following is an entry in ClinVar:

NM_004820.5(CYP7B1):c.1362T>C (p.Phe454=)

Gene: CYP7B1 (cytochrome P450 family 7 subfamily B member 1; minus strand). Cytogenetic location: 8q12.3.
Variant type: single nucleotide variant.
Coding change: c.1362T>C on transcript NM_004820.5 (MANE Select); coding-DNA position 1362, T replaced by C.
Protein change: p.Phe454=; no amino-acid change (phenylalanine 454 retained).
Molecular consequence: synonymous variant. On other transcripts: intron variant (1).
Genome position (GRCh38, 1-based): chr8:64,596,801, A>G on the plus strand (T>C on the coding strand, the complement: CYP7B1 is on the minus strand). VCF-style: chr8-64596801-A-G. GRCh37 (hg19) VCF-style: chr8-65509358-A-G.
Other names: c.1234-6957T>C (NM_001324112.2).
Identifiers: ClinVar variation 4992833 (VCV004992833.1).

ClinVar aggregate classification (germline): Likely benign (1 of 4 stars; one submission).

Conditions:
CYP7B1-related disorder. Also called: CYP7B1-related condition.

Submission:

PreventionGenetics, part of Exact Sciences
Classification: Likely benign for CYP7B1-related condition. Last evaluated: 2026-07-27. Review status: criteria provided, single submitter. Criteria: ACMG Guidelines, 2015. Collection method: clinical testing. Allele origin: germline.
Comment: This variant is classified as likely benign based on ACMG/AMP sequence variant interpretation guidelines (Richards et al. 2015 PMID: 25741868, with internal and published modifications).